The following is an entry in ClinVar:

ClinVar aggregate classification (germline): Uncertain significance (1 of 4 stars; one submission).

Submission:

Labcorp Genetics (formerly Invitae), Labcorp
Classification: Uncertain significance. Last evaluated: 2023-01-27. Review status: criteria provided, single submitter. Criteria: Invitae Variant Classification Sherloc (09022015). Collection method: clinical testing. Allele origin: germline.
Comment: An algorithm developed to predict the effect of missense changes on protein structure and function (PolyPhen-2) suggests that this variant is likely to be disruptive. In summary, the available evidence is currently insufficient to determine the role of this variant in disease. Therefore, it has been classified as a Variant of Uncertain Significance. This variant has not been reported in the literature in individuals affected with TOPORS-related conditions. Information on the frequency of this variant in the gnomAD database is not available, as this variant may be reported differently in the database. This sequence change replaces glycine, which is neutral and non-polar, with valine, which is neutral and non-polar, at codon 38 of the TOPORS protein (p.Gly38Val).

NM_005802.5(TOPORS):c.113_114delinsTT (p.Gly38Val)

Gene: TOPORS (TOP1 binding arginine/serine rich protein, E3 ubiquitin ligase; minus strand). Cytogenetic location: 9p21.1.
Variant type: Indel.
Coding change: c.113_114delinsTT on transcript NM_005802.5 (MANE Select); coding-DNA positions 113 to 114, GA replaced by TT.
Protein change: p.Gly38Val; replaces glycine 38 with valine.
Molecular consequence: missense variant. On other transcripts: intron variant (1).
Genome position (GRCh38, 1-based): chr9:32,550,858-32,550,859, TC replaced by AA on the plus strand (GA replaced by TT on the coding strand, the reverse complement: TOPORS is on the minus strand). VCF-style: chr9-32550858-TC-AA. GRCh37 (hg19) VCF-style: chr9-32550856-TC-AA.
Other names: c.3+1575_3+1576delinsTT (NM_001195622.2); short protein forms G38V.
Identifiers: ClinVar variation 2830327 (VCV002830327.3), dbSNP rs2489473609, ClinGen allele CA2739269183.